The following is an entry in ClinVar:

ClinVar aggregate classification (germline): Uncertain significance (1 of 4 stars; one submission).

Submission:

Laboratory for Molecular Medicine, Mass General Brigham Personalized Medicine
Classification: Uncertain significance. Last evaluated: 2014-08-08. Review status: criteria provided, single submitter. Criteria: LMM Criteria. Collection method: clinical testing. Allele origin: germline. Observed: 1 variant allele.
Comment: The Glu115Leu variant in LMNA has not been previously reported in individuals wi th cardiomyopathy or in large population studies. Data from large population s tudies is insufficient to assess the frequency of this variant. Computational p rediction tools and conservation analysis do not provide strong support for or a gainst an impact to the protein. In summary, the clinical significance of the G lu115Leu variant is uncertain.

NM_170707.4(LMNA):c.343_344delinsTT (p.Glu115Leu)

Gene: LMNA (lamin A/C; plus strand). Cytogenetic location: 1q22.
Variant type: Indel.
Coding change: c.343_344delinsTT on transcript NM_170707.4 (MANE Select); coding-DNA positions 343 to 344, GA replaced by TT.
Protein change: p.Glu115Leu; replaces glutamic acid 115 with leucine.
Molecular consequence: missense variant.
Genome position (GRCh38, 1-based): chr1:156,115,261-156,115,262, GA replaced by TT. VCF-style: chr1-156115261-GA-TT. GRCh37 (hg19) VCF-style: chr1-156085052-GA-TT.
Other names: c.343_344delinsTT, p.Glu115Leu (NM_001282625.2, NM_001282626.2, NM_005572.4 and 1 more transcripts); short protein forms E115L.
Identifiers: ClinVar variation 163864 (VCV000163864.4), dbSNP rs727503134, ClinGen allele CA017924.